The following is an entry in ClinVar:

NM_000246.4(CIITA):c.2059A>G (p.Thr687Ala)

Gene: CIITA (class II major histocompatibility complex transactivator; plus strand). Cytogenetic location: 16p13.13.
Variant type: single nucleotide variant.
Coding change: c.2059A>G on transcript NM_000246.4 (MANE Select); coding-DNA position 2059, A replaced by G.
Protein change: p.Thr687Ala; replaces threonine 687 with alanine.
Molecular consequence: missense variant. On other transcripts: intron variant (1).
Genome position (GRCh38, 1-based): chr16:10,907,551, A>G. VCF-style: chr16-10907551-A-G. GRCh37 (hg19) VCF-style: chr16-11001408-A-G.
Other names: c.2062A>G, p.Thr688Ala (NM_001286402.1, NM_001379332.1); c.1915A>G, p.Thr639Ala (NM_001379330.1); c.1912A>G, p.Thr638Ala (NM_001379331.1); c.2059A>G, p.Thr687Ala (NM_001379333.1); c.1990A>G, p.Thr664Ala (NM_001379334.1); c.860-1432A>G (NM_001286403.2); short protein forms T687A, T688A, T638A, T639A, T664A.
Identifiers: ClinVar variation 567353 (VCV000567353.11), dbSNP rs201080914, ClinGen allele CA7900282.
Genomic context (GRCh38, chr16:10,907,551, plus strand): 5'-CTGGGCCGCAGACATCAAAGTACCCTACAGGAGGACCAGTTCCCATCCGCAGACGTGAGG[A>G]CCTGGGCGATGGCCAAAGGCTTAGTCCAACACCCACCGCGGGCCGCAGAGTCCGAGCTGG-3'
Protein context (NP_000237.2, residues 677-697): EDQFPSADVR[Thr687Ala]WAMAKGLVQH

ClinVar aggregate classification (germline): Uncertain significance. Review status: criteria provided, multiple submitters, no conflicts (2 of 4 stars). 3 submissions from 3 submitters: Uncertain significance (2). 1 of the submissions does not count toward it. Last evaluated 2022-07-19.

Conditions:
MHC class II deficiency. Also called: Bare lymphocyte syndrome 2; BLS, TYPE II. Identifiers: Orphanet 572, MedGen C5447452, MONDO:0008855.

Allele frequency attached by ClinVar (database versions not stated): gnomAD 0.00008 and 0.00009; gnomAD exomes 0.00011 and 0.00017; TOPMed 0.00013; ExAC 0.00030.
gnomAD v4.1: 170 of 1,614,032 alleles (0.011%); highest among the groups gnomAD compares: Non-Finnish European, 0.014%; no homozygotes.

Submissions (3):

Labcorp Genetics (formerly Invitae), Labcorp
Classification: Uncertain significance for MHC class II deficiency. Last evaluated: 2022-07-19. Review status: criteria provided, single submitter. Criteria: Invitae Variant Classification Sherloc (09022015). Collection method: clinical testing. Allele origin: germline.
Comment: This sequence change replaces threonine, which is neutral and polar, with alanine, which is neutral and non-polar, at codon 687 of the CIITA protein (p.Thr687Ala). This variant is present in population databases (rs201080914, gnomAD 0.04%). This variant has not been reported in the literature in individuals affected with CIITA-related conditions. ClinVar contains an entry for this variant (Variation ID: 567353). Algorithms developed to predict the effect of missense changes on protein structure and function output the following: SIFT: "Tolerated"; PolyPhen-2: "Benign"; Align-GVGD: "Class C0". The alanine amino acid residue is found in multiple mammalian species, which suggests that this missense change does not adversely affect protein function. In summary, the available evidence is currently insufficient to determine the role of this variant in disease. Therefore, it has been classified as a Variant of Uncertain Significance.

Illumina Laboratory Services, Illumina
Classification: Uncertain significance for MHC class II deficiency 1. Last evaluated: 2018-01-12. Review status: criteria provided, single submitter. Criteria: ICSL Variant Classification Criteria 13 December 2019. Collection method: clinical testing. Allele origin: germline.

Natera, Inc.
Classification: Uncertain significance for Bare lymphocyte syndrome type II. Last evaluated: 2019-10-28. Review status: no assertion criteria provided. Collection method: clinical testing. Allele origin: germline. Not counted in ClinVar's aggregate classification.